The following is an entry in ClinVar:

NM_212482.4(FN1):c.5842A>G (p.Ile1948Val)

Gene: FN1 (fibronectin 1; minus strand). Cytogenetic location: 2q35.
Variant type: single nucleotide variant.
Coding change: c.5842A>G on transcript NM_212482.4 (MANE Select); coding-DNA position 5842, A replaced by G.
Protein change: p.Ile1948Val; replaces isoleucine 1948 with valine.
Molecular consequence: missense variant.
Genome position (GRCh38, 1-based): chr2:215,376,543, T>C on the plus strand (A>G on the coding strand, the complement: FN1 is on the minus strand). VCF-style: chr2-215376543-T-C. GRCh37 (hg19) VCF-style: chr2-216241266-T-C.
Other names: c.5842A>G, p.Ile1948Val (NM_001306129.2); c.5572A>G, p.Ile1858Val (NM_001306130.2, NM_001365517.2, NM_001365519.2 and 2 more transcripts); c.5299A>G, p.Ile1767Val (NM_001306131.2, NM_001306132.2, NM_001365523.2 and 2 more transcripts); c.5569A>G, p.Ile1857Val (NM_001365518.2, NM_001365520.2, NM_001365524.2 and 2 more transcripts); short protein forms I1948V, I1857V, I1767V, I1858V.
Identifiers: ClinVar variation 2096956 (VCV002096956.4), dbSNP rs766402293, ClinGen allele CA64849968.
Genomic context (GRCh38, chr2:215,376,543, plus strand): 5'-AATGAGTTCCCTGACCTGTGATGGTGTAGCTTCTGACATCTGGCTTGATGGTTCTCTGGA[T>C]TGGAGTCTGGCCATTGGCTGGAACGGCATCAACTTGGAAGCCAGTGATCGTCTCAGTCTT-3'
Protein context (NP_997647.2, residues 1938-1958): DAVPANGQTP[Ile1948Val]QRTIKPDVRS

ClinVar aggregate classification (germline): Uncertain significance (1 of 4 stars; one submission).

Allele frequency attached by ClinVar (database versions not stated): gnomAD exomes below 0.00001; TOPMed below 0.00001.
gnomAD v4.1: 3 of 1,614,098 alleles (0.00019%); highest among the groups gnomAD compares: East Asian, 0.0022%; no homozygotes.

Submission:

Labcorp Genetics (formerly Invitae), Labcorp
Classification: Uncertain significance. Last evaluated: 2022-11-15. Review status: criteria provided, single submitter. Criteria: Invitae Variant Classification Sherloc (09022015). Collection method: clinical testing. Allele origin: germline.
Comment: This variant is not present in population databases (gnomAD no frequency). In summary, the available evidence is currently insufficient to determine the role of this variant in disease. Therefore, it has been classified as a Variant of Uncertain Significance. Algorithms developed to predict the effect of missense changes on protein structure and function output the following: SIFT: "Not Available"; PolyPhen-2: "Benign"; Align-GVGD: "Not Available". The valine amino acid residue is found in multiple mammalian species, which suggests that this missense change does not adversely affect protein function. This variant has not been reported in the literature in individuals affected with FN1-related conditions. This sequence change replaces isoleucine, which is neutral and non-polar, with valine, which is neutral and non-polar, at codon 1948 of the FN1 protein (p.Ile1948Val).